The following is an entry in ClinVar:

ClinVar aggregate classification (germline): Pathogenic/Likely pathogenic. Review status: criteria provided, multiple submitters, no conflicts (2 of 4 stars). 2 submissions from 2 submitters: Pathogenic (1); Likely pathogenic (1). Last evaluated 2024-03-19.

Conditions:
Developmental and epileptic encephalopathy, 9 (DEE9). Also called: EPILEPSY, FEMALE-RESTRICTED, WITH MENTAL RETARDATION; Early infantile epileptic encephalopathy 9; JUBERG-HELLMAN SYNDROME; PCDH19-Related X-Linked Female-Limited Epilepsy with Mental Retardation. Identifiers: Orphanet 101039, Orphanet 2076, MedGen C1848137, MONDO:0010246, OMIM 300088. Disease mechanism: loss of function.

Submissions (2):

GeneDx
Classification: Likely pathogenic. Last evaluated: 2024-03-19. Review status: criteria provided, single submitter. Criteria: GeneDx Variant Classification Process June 2021. Collection method: clinical testing. Allele origin: germline. Affected: yes.
Comment: Not observed at significant frequency in large population cohorts (gnomAD); In silico analysis supports that this missense variant has a deleterious effect on protein structure/function; This variant is associated with the following publications: (PMID: 29377098, 33262389)

Labcorp Genetics (formerly Invitae), Labcorp
Classification: Pathogenic for Developmental and epileptic encephalopathy, 9. Last evaluated: 2022-11-21. Review status: criteria provided, single submitter. Criteria: Invitae Variant Classification Sherloc (09022015). Collection method: clinical testing. Allele origin: germline.
Comment: This variant is not present in population databases (gnomAD no frequency). This sequence change replaces aspartic acid, which is acidic and polar, with asparagine, which is neutral and polar, at codon 448 of the PCDH19 protein (p.Asp448Asn). This missense change has been observed in individual(s) with clinical features of PCDH19-related conditions (PMID: 33262389). In at least one individual the variant was observed to be de novo. Advanced modeling of protein sequence and biophysical properties (such as structural, functional, and spatial information, amino acid conservation, physicochemical variation, residue mobility, and thermodynamic stability) performed at Invitae indicates that this missense variant is expected to disrupt PCDH19 protein function. This variant disrupts the p.Asp448 amino acid residue in PCDH19. Other variant(s) that disrupt this residue have been determined to be pathogenic (Invitae). This suggests that this residue is clinically significant, and that variants that disrupt this residue are likely to be disease-causing. For these reasons, this variant has been classified as Pathogenic. ClinVar contains an entry for this variant (Variation ID: 958194).

Literature cited by the submitters: PubMed 33262389 (cited by Labcorp Genetics (formerly Invitae), Labcorp).

NM_001184880.2(PCDH19):c.1342G>A (p.Asp448Asn)

Gene: PCDH19 (protocadherin 19; minus strand). Cytogenetic location: Xq22.1.
Variant type: single nucleotide variant.
Coding change: c.1342G>A on transcript NM_001184880.2 (MANE Select); coding-DNA position 1342, G replaced by A.
Protein change: p.Asp448Asn; replaces aspartic acid 448 with asparagine.
Molecular consequence: missense variant.
Genome position (GRCh38, 1-based): chrX:100,407,256, C>T on the plus strand (G>A on the coding strand, the complement: PCDH19 is on the minus strand). VCF-style: chrX-100407256-C-T. GRCh37 (hg19) VCF-style: chrX-99662254-C-T.
Other names: c.1342G>A, p.Asp448Asn (NM_001105243.2, NM_020766.3); short protein forms D448N.
Identifiers: ClinVar variation 958194 (VCV000958194.11), dbSNP rs1569314809, ClinGen allele CA414002938.